The following is an entry in ClinVar:

NM_001330360.2(POLA1):c.4396G>A (p.Val1466Met)

Gene: POLA1 (DNA polymerase alpha 1, catalytic subunit; plus strand). Cytogenetic location: Xp21.3.
Variant type: single nucleotide variant.
Coding change: c.4396G>A on transcript NM_001330360.2 (MANE Select); coding-DNA position 4396, G replaced by A.
Protein change: p.Val1466Met; replaces valine 1466 with methionine.
Molecular consequence: missense variant. On other transcripts: non-coding transcript variant (2).
Genome position (GRCh38, 1-based): chrX:24,995,939, G>A. VCF-style: chrX-24995939-G-A. GRCh37 (hg19) VCF-style: chrX-25014056-G-A.
Other names: c.4378G>A (NM_016937.3); c.4321G>A, p.Val1441Met (NM_001378303.1); c.4378G>A, p.Val1460Met (NM_016937.4); short protein forms V1460M, V1441M, V1466M.
Identifiers: ClinVar variation 3006237 (VCV003006237.4), dbSNP rs775506451, ClinGen allele CA10373752.

ClinVar aggregate classification (germline): Uncertain significance. Review status: criteria provided, multiple submitters, no conflicts (2 of 4 stars). 2 submissions from 2 submitters: Uncertain significance (2). Last evaluated 2023-11-02.

Conditions:
Inborn genetic diseases. Identifiers: MedGen C0950123, MeSH D030342.

Allele frequency attached by ClinVar (database versions not stated): gnomAD exomes below 0.00001; gnomAD 0.00001; TOPMed 0.00001; ExAC 0.00002.
gnomAD v4.1: 6 of 1,206,729 alleles (0.0005%); highest among the groups gnomAD compares: South Asian, 0.0054%; no homozygotes.

Submissions (2):

Ambry Genetics
Classification: Uncertain significance for Inborn genetic diseases. Last evaluated: 2023-11-02. Review status: criteria provided, single submitter. Criteria: Ambry Variant Classification Scheme 2023. Collection method: clinical testing. Allele origin: germline.

Labcorp Genetics (formerly Invitae), Labcorp
Classification: Uncertain significance. Last evaluated: 2023-09-19. Review status: criteria provided, single submitter. Criteria: Invitae Variant Classification Sherloc (09022015). Collection method: clinical testing. Allele origin: germline.
Comment: The frequency data for this variant in the population databases is considered unreliable, as metrics indicate poor data quality at this position in the gnomAD database. This sequence change replaces valine, which is neutral and non-polar, with methionine, which is neutral and non-polar, at codon 1460 of the POLA1 protein (p.Val1460Met). In summary, the available evidence is currently insufficient to determine the role of this variant in disease. Therefore, it has been classified as a Variant of Uncertain Significance. Algorithms developed to predict the effect of missense changes on protein structure and function output the following: SIFT: "Not Available"; PolyPhen-2: "Benign"; Align-GVGD: "Not Available". The methionine amino acid residue is found in multiple mammalian species, which suggests that this missense change does not adversely affect protein function. This variant has not been reported in the literature in individuals affected with POLA1-related conditions.